The following is an entry in ClinVar:

NC_000015.9:g.(?_41687037)_(41687262_?)del

Gene: NDUFAF1 (NADH:ubiquinone oxidoreductase complex assembly factor 1; minus strand). Cytogenetic location: 15q15.1.
Variant type: Deletion.
Identifiers: ClinVar variation 2426258 (VCV002426258.2).

ClinVar aggregate classification (germline): Uncertain significance (1 of 4 stars; one submission).

Submission:

Labcorp Genetics (formerly Invitae), Labcorp
Classification: Uncertain significance. Last evaluated: 2022-10-05. Review status: criteria provided, single submitter. Criteria: Invitae Variant Classification Sherloc (09022015). Collection method: clinical testing. Allele origin: germline.
Comment: This variant is a gross deletion of the genomic region encompassing exon(s) 3 of the NDUFAF1 gene. This variant would be expected to be in-frame, preserving the integrity of the reading frame. In summary, the available evidence is currently insufficient to determine the role of this variant in disease. Therefore, it has been classified as a Variant of Uncertain Significance. Experimental studies and prediction algorithms are not available or were not evaluated, and the functional significance of this variant is currently unknown. This variant has not been reported in the literature in individuals affected with NDUFAF1-related conditions.